The following is an entry in ClinVar:

ClinVar aggregate classification (germline): Likely benign (0 of 4 stars; one submission).

Conditions:
PMEL-related disorder. Also called: PMEL-related condition.

Allele frequency attached by ClinVar (database versions not stated): ExAC 0.00019; ESP Exome Variant Server 0.00062; gnomAD 0.00064; TOPMed 0.00078; 1000 Genomes Project 0.00080; 1000 Genomes Project 30x 0.00094.
gnomAD v4.1: 175 of 1,613,826 alleles (0.011%); highest among the groups gnomAD compares: African/African-American, 0.19%; 1 homozygote.

Submission:

PreventionGenetics, part of Exact Sciences
Classification: Likely benign for PMEL-related condition. Last evaluated: 2023-05-22. Review status: no assertion criteria provided. Collection method: clinical testing. Allele origin: germline.
Comment: This variant is classified as likely benign based on ACMG/AMP sequence variant interpretation guidelines (Richards et al. 2015 PMID: 25741868, with internal and published modifications).

NM_001384361.1(PMEL):c.96G>T (p.Trp32Cys)

Gene: PMEL (premelanosome protein; minus strand). Cytogenetic location: 12q13.2.
Variant type: single nucleotide variant.
Coding change: c.96G>T on transcript NM_001384361.1 (MANE Select); coding-DNA position 96, G replaced by T.
Protein change: p.Trp32Cys; replaces tryptophan 32 with cysteine.
Molecular consequence: missense variant. On other transcripts: intron variant (1).
Genome position (GRCh38, 1-based): chr12:55,961,713, C>A on the plus strand (G>T on the coding strand, the complement: PMEL is on the minus strand). VCF-style: chr12-55961713-C-A. GRCh37 (hg19) VCF-style: chr12-56355497-C-A.
Other names: c.96G>T, p.Trp32Cys (NM_001200054.1, NM_001320121.1, NM_001320122.1 and 1 more transcripts); c.77-3106G>T (NM_001200053.1); short protein forms W32C.
Identifiers: ClinVar variation 3050442 (VCV003050442.2), dbSNP rs141458689, ClinGen allele CA6620313.